The following is an entry in ClinVar:

NM_020779.4(WDR35):c.2555C>T (p.Ala852Val)

Genes: WDR35 (WD repeat domain 35; minus strand), LOC129933186 (ATAC-STARR-seq lymphoblastoid active region 15370; plus strand). Cytogenetic location: 2p24.1.
Variant type: single nucleotide variant.
Coding change: c.2555C>T on transcript NM_020779.4 (MANE Select); coding-DNA position 2555, C replaced by T.
Protein change: p.Ala852Val; replaces alanine 852 with valine.
Molecular consequence: missense variant.
Genome position (GRCh38, 1-based): chr2:19,933,504, G>A on the plus strand (C>T on the coding strand, the complement: WDR35 is on the minus strand). VCF-style: chr2-19933504-G-A. GRCh37 (hg19) VCF-style: chr2-20133265-G-A.
Other names: c.2588C>T, p.Ala863Val (NM_001006657.2); short protein forms A852V, A863V.
Identifiers: ClinVar variation 1696886 (VCV001696886.4), dbSNP rs772896944, ClinGen allele CA1542908.

ClinVar aggregate classification (germline): Uncertain significance. Review status: criteria provided, multiple submitters, no conflicts (2 of 4 stars). 3 submissions from 3 submitters: Uncertain significance (3). Last evaluated 2024-10-16.

Conditions:
Cranioectodermal dysplasia 2 (CED2). Identifiers: Orphanet 1515, MedGen C3150874, MONDO:0013323, OMIM 613610.
Short-rib thoracic dysplasia 7 with or without polydactyly (SRTD7). Also called: Short rib polydactyly syndrome 5; SHORT-RIB THORACIC DYSPLASIA 7 WITH POLYDACTYLY. Identifiers: Orphanet 498497, Orphanet 93271, MedGen C3279792, MONDO:0013569, OMIM 614091.

Allele frequency attached by ClinVar (database versions not stated): gnomAD exomes below 0.00001 and 0.00001; ExAC 0.00001; gnomAD 0.00001; TOPMed 0.00002.
gnomAD v4.1: 4 of 1,612,798 alleles (0.00025%); highest among the groups gnomAD compares: African/African-American, 0.004%; no homozygotes.

Submissions (3):

ARUP Laboratories, Molecular Genetics and Genomics, ARUP Laboratories
Classification: Uncertain significance. Last evaluated: 2024-10-16. Review status: criteria provided, single submitter. Criteria: ARUP Molecular Germline Variant Investigation Process 2024. Collection method: clinical testing. Allele origin: germline.
Comment: The WDR35 c.2588C>T; p.Ala863Val variant (rs772896944), to our knowledge, is not reported in the medical literature but is reported in ClinVar (Variation ID: 1696886). This variant is only observed on two alleles in the Genome Aggregation Database (v2.1.1), indicating it is not a common polymorphism. Computational analyses are uncertain whether this variant is neutral or deleterious (REVEL: 0.37). Due to limited information, the clinical significance of this variant is uncertain at this time.

Fulgent Genetics
Classification: Uncertain significance for Cranioectodermal dysplasia 2; Short-rib thoracic dysplasia 7 with or without polydactyly. Last evaluated: 2024-01-14. Review status: criteria provided, single submitter. Criteria: ACMG Guidelines, 2015. Collection method: clinical testing. Allele origin: germline.

GeneDx
Classification: Uncertain significance. Last evaluated: 2021-10-04. Review status: criteria provided, single submitter. Criteria: GeneDx Variant Classification Process June 2021. Collection method: clinical testing. Allele origin: germline. Affected: yes.
Comment: In silico analysis supports that this missense variant has a deleterious effect on protein structure/function; Has not been previously published as pathogenic or benign to our knowledge